The following is an entry in ClinVar:

ClinVar aggregate classification (germline): Conflicting classifications of pathogenicity. Review status: criteria provided, conflicting classifications (1 of 4 stars). 5 submissions from 5 submitters: Uncertain significance (4); Likely benign (1). Last evaluated 2026-06-24.

Conditions:
ZNF469-related disorder. Also called: ZNF469-related condition.
Cardiovascular phenotype. Identifiers: MedGen CN230736.

Allele frequency attached by ClinVar (database versions not stated): gnomAD 0.00003 and 0.00004; TOPMed 0.00004; ExAC 0.00005; gnomAD exomes 0.00007; 1000 Genomes Project 30x 0.00016; 1000 Genomes Project 0.00020.
gnomAD v4.1: 86 of 1,550,512 alleles (0.0055%); highest among the groups gnomAD compares: African/African-American, 0.0068%; no homozygotes.

Submissions (5):

PreventionGenetics, part of Exact Sciences
Classification: Uncertain significance for ZNF469-related condition. Last evaluated: 2026-06-24. Review status: criteria provided, single submitter. Criteria: ACMG Guidelines, 2015. Collection method: clinical testing. Allele origin: germline.
Comment: The ZNF469 c.4525G>A variant is predicted to result in the amino acid substitution p.Gly1509Ser. To our knowledge, this variant has not been reported in the literature. This variant is reported in 0.016% of alleles in individuals of European (Finnish) descent in gnomAD. At this time, the clinical significance of this variant is uncertain due to the absence of conclusive functional and genetic evidence.

Ambry Genetics
Classification: Likely benign for Cardiovascular phenotype. Last evaluated: 2024-12-20. Review status: criteria provided, single submitter. Criteria: Ambry Variant Classification Scheme 2023. Collection method: clinical testing. Allele origin: germline.

Labcorp Genetics (formerly Invitae), Labcorp
Classification: Uncertain significance. Last evaluated: 2024-12-02. Review status: criteria provided, single submitter. Criteria: Invitae Variant Classification Sherloc (09022015). Collection method: clinical testing. Allele origin: germline.
Comment: This sequence change replaces glycine, which is neutral and non-polar, with serine, which is neutral and polar, at codon 1509 of the ZNF469 protein (p.Gly1509Ser). This variant is present in population databases (rs528560466, gnomAD 0.02%). This variant has not been reported in the literature in individuals affected with ZNF469-related conditions. ClinVar contains an entry for this variant (Variation ID: 450509). An algorithm developed to predict the effect of missense changes on protein structure and function outputs the following: PolyPhen-2: "Benign". The serine amino acid residue is found in multiple mammalian species, which suggests that this missense change does not adversely affect protein function. In summary, the available evidence is currently insufficient to determine the role of this variant in disease. Therefore, it has been classified as a Variant of Uncertain Significance.

Mayo Clinic Laboratories, Mayo Clinic
Classification: Uncertain significance. Last evaluated: 2023-08-25. Review status: criteria provided, single submitter. Criteria: ACMG Guidelines, 2015. Collection method: clinical testing. Allele origin: germline. Observed: 1 variant allele.
Comment: BP4

GeneDx
Classification: Uncertain significance. Last evaluated: 2017-07-14. Review status: criteria provided, single submitter. Criteria: GeneDx Variant Classification (06012015). Collection method: clinical testing. Allele origin: germline. Affected: yes.
Comment: A variant of uncertain significance has been identified in the ZNF469 gene. The G1509S variant has not been published as pathogenic or been reported as benign to our knowledge. This variant is also not observed at a significant frequency in large population cohorts (Lek et al., 2016; 1000 Genomes Consortium et al., 2015; Exome Variant Server). The G1509S variant is a non-conservative amino acid substitution, which is likely to impact secondary protein structure as these residues differ in polarity, charge, size and/or other properties. However, this substitution occurs at a position that is not conserved across species and serine (S) is the wild-type residue at this position in multiple mammalian species. Additionally, in silico analysis predicts this variant likely does not alter the protein structure/function.

NM_001367624.2(ZNF469):c.4609G>A (p.Gly1537Ser)

Gene: ZNF469 (zinc finger protein 469; plus strand). Cytogenetic location: 16q24.2.
Variant type: single nucleotide variant.
Coding change: c.4609G>A on transcript NM_001367624.2 (MANE Select); coding-DNA position 4609, G replaced by A.
Protein change: p.Gly1537Ser; replaces glycine 1537 with serine.
Molecular consequence: missense variant.
Genome position (GRCh38, 1-based): chr16:88,432,079, G>A. VCF-style: chr16-88432079-G-A. GRCh37 (hg19) VCF-style: chr16-88498487-G-A.
Other names: NM_001127464.1:c.4525G>A; p.Gly1537Ser; NM_001127464.2:c.4525G>A; short protein forms G1537S.
Identifiers: ClinVar variation 450509 (VCV000450509.12), dbSNP rs528560466, ClinGen allele CA8224985.